The following is an entry in ClinVar:

NM_001113378.2(FANCI):c.1382-5T>C

Gene: FANCI (FA complementation group I; plus strand). Cytogenetic location: 15q26.1.
Variant type: single nucleotide variant.
Coding change: c.1382-5T>C on transcript NM_001113378.2 (MANE Select); 5 bases into the intron before coding-DNA position 1382, T replaced by C.
Molecular consequence: intron variant.
Genome position (GRCh38, 1-based): chr15:89,281,165, T>C. VCF-style: chr15-89281165-T-C. GRCh37 (hg19) VCF-style: chr15-89824396-T-C.
Other names: c.1382-5T>C (NM_018193.3, NM_001376911.1); c.1103-5T>C (NM_001376910.1).
Identifiers: ClinVar variation 1341331 (VCV001341331.1), dbSNP rs2151549574, ClinGen allele CA2573049053.

ClinVar aggregate classification (germline): Uncertain significance (1 of 4 stars; one submission).

Conditions:
Fanconi anemia complementation group I (FANCI). Also called: FANCI-Related Fanconi Anemia. Identifiers: Orphanet 84, MedGen C1836861, MONDO:0012186, OMIM 609053.

Submission:

Baylor Genetics
Classification: Uncertain significance for Fanconi anemia complementation group I. Last evaluated: 2022-01-07. Review status: criteria provided, single submitter. Criteria: ACMG Guidelines, 2015. Collection method: clinical testing. Allele origin: unknown. Affected: yes. Study: CSER-TexasKidsCanSeq.
Comment: This variant was determined to be of uncertain significance according to ACMG Guidelines, 2015 [PMID:25741868].